The following is an entry in ClinVar:

NM_052947.4(ALPK2):c.3404A>G (p.Gln1135Arg)

Gene: ALPK2 (alpha kinase 2; minus strand). Cytogenetic location: 18q21.31.
Variant type: single nucleotide variant.
Coding change: c.3404A>G on transcript NM_052947.4 (MANE Select); coding-DNA position 3404, A replaced by G.
Protein change: p.Gln1135Arg; replaces glutamine 1135 with arginine.
Molecular consequence: missense variant.
Genome position (GRCh38, 1-based): chr18:58,536,783, T>C on the plus strand (A>G on the coding strand, the complement: ALPK2 is on the minus strand). VCF-style: chr18-58536783-T-C. GRCh37 (hg19) VCF-style: chr18-56204015-T-C.
Other names: short protein forms Q1135R.
Identifiers: ClinVar variation 1731104 (VCV001731104.3), dbSNP rs2518876526, ClinGen allele CA402567072.

ClinVar aggregate classification (germline): Uncertain significance (1 of 4 stars; one submission).

Submission:

Ambry Genetics
Classification: Uncertain significance. Last evaluated: 2024-08-18. Review status: criteria provided, single submitter. Criteria: Ambry Variant Classification Scheme 2023. Collection method: clinical testing. Allele origin: germline.
Comment: The p.Q1135R variant (also known as c.3404A>G), located in coding exon 4 of the ALPK2 gene, results from an A to G substitution at nucleotide position 3404. The glutamine at codon 1135 is replaced by arginine, an amino acid with highly similar properties. This amino acid position is conserved. In addition, this alteration is predicted to be tolerated by in silico analysis. Since supporting evidence is limited at this time, the clinical significance of this alteration remains unclear.